The following is an entry in ClinVar:

ClinVar aggregate classification (germline): Uncertain significance (1 of 4 stars; one submission).

Allele frequency attached by ClinVar (database versions not stated): gnomAD exomes below 0.00001 and 0.00001; ExAC 0.00001; gnomAD 0.00002; TOPMed 0.00003.

Submission:

Labcorp Genetics (formerly Invitae), Labcorp
Classification: Uncertain significance. Last evaluated: 2021-10-22. Review status: criteria provided, single submitter. Criteria: Invitae Variant Classification Sherloc (09022015). Collection method: clinical testing. Allele origin: germline.
Comment: This sequence change replaces leucine, which is neutral and non-polar, with tryptophan, which is neutral and slightly polar, at codon 1106 of the ADAMTS18 protein (p.Leu1106Trp). This variant is present in population databases (rs751858289, gnomAD 0.01%). This variant has not been reported in the literature in individuals affected with ADAMTS18-related conditions. Algorithms developed to predict the effect of missense changes on protein structure and function are either unavailable or do not agree on the potential impact of this missense change (SIFT: "Not Available"; PolyPhen-2: "Probably Damaging"; Align-GVGD: "Not Available"). In summary, the available evidence is currently insufficient to determine the role of this variant in disease. Therefore, it has been classified as a Variant of Uncertain Significance.

NM_199355.4(ADAMTS18):c.3317T>G (p.Leu1106Trp)

Gene: ADAMTS18 (ADAM metallopeptidase with thrombospondin type 1 motif 18; minus strand). Cytogenetic location: 16q23.1.
Variant type: single nucleotide variant.
Coding change: c.3317T>G on transcript NM_199355.4 (MANE Select); coding-DNA position 3317, T replaced by G.
Protein change: p.Leu1106Trp; replaces leucine 1106 with tryptophan.
Molecular consequence: missense variant.
Genome position (GRCh38, 1-based): chr16:77,291,351, A>C on the plus strand (T>G on the coding strand, the complement: ADAMTS18 is on the minus strand). VCF-style: chr16-77291351-A-C. GRCh37 (hg19) VCF-style: chr16-77325248-A-C.
Other names: c.2801T>G, p.Leu934Trp (NM_001326358.2); short protein forms L1106W, L934W.
Identifiers: ClinVar variation 1483605 (VCV001483605.3), dbSNP rs751858289, ClinGen allele CA8180502.